The following is an entry in ClinVar:

NM_024642.5(GALNT12):c.1360C>A (p.Leu454Ile)

Gene: GALNT12 (polypeptide N-acetylgalactosaminyltransferase 12; plus strand). Cytogenetic location: 9q22.33.
Variant type: single nucleotide variant.
Coding change: c.1360C>A on transcript NM_024642.5 (MANE Select); coding-DNA position 1360, C replaced by A.
Protein change: p.Leu454Ile; replaces leucine 454 with isoleucine.
Molecular consequence: missense variant.
Genome position (GRCh38, 1-based): chr9:98,844,111, C>A. VCF-style: chr9-98844111-C-A. GRCh37 (hg19) VCF-style: chr9-101606393-C-A.
Other names: short protein forms L454I.
Identifiers: ClinVar variation 3852656 (VCV003852656.1).

ClinVar aggregate classification (germline): Uncertain significance (1 of 4 stars; one submission).

Submission:

Ambry Genetics
Classification: Uncertain significance. Last evaluated: 2024-12-12. Review status: criteria provided, single submitter. Criteria: Ambry Variant Classification Scheme 2023. Collection method: clinical testing. Allele origin: germline.
Comment: The p.L454I variant (also known as c.1360C>A), located in coding exon 8 of the GALNT12 gene, results from a C to A substitution at nucleotide position 1360. The leucine at codon 454 is replaced by isoleucine, an amino acid with highly similar properties. This amino acid position is conserved. In addition, this alteration is predicted to be tolerated by in silico analysis. Based on the available evidence, the clinical significance of this variant remains unclear.